The following is an entry in ClinVar:

NM_000260.4(MYO7A):c.6498C>A (p.Tyr2166Ter)

Gene: MYO7A (myosin VIIA; plus strand). Cytogenetic location: 11q13.5.
Variant type: single nucleotide variant.
Coding change: c.6498C>A on transcript NM_000260.4 (MANE Select); coding-DNA position 6498, C replaced by A.
Protein change: p.Tyr2166Ter; replaces tyrosine 2166 with a stop codon.
Molecular consequence: nonsense.
Genome position (GRCh38, 1-based): chr11:77,213,919, C>A. VCF-style: chr11-77213919-C-A. GRCh37 (hg19) VCF-style: chr11-76924964-C-A.
Other names: c.6378C>A, p.Tyr2126Ter (NM_001127180.2); c.6351C>A, p.Tyr2117Ter (NM_001369365.1); short protein forms Y2166*, Y2126*, Y2117*.
Identifiers: ClinVar variation 43330 (VCV000043330.10), dbSNP rs397516331, ClinGen allele CA278711.

ClinVar aggregate classification (germline): Pathogenic/Likely pathogenic. Review status: criteria provided, multiple submitters, no conflicts (2 of 4 stars). 4 submissions from 4 submitters: Pathogenic (2); Likely pathogenic (2). Last evaluated 2025-04-15.

Conditions:
MYO7A-related disorder. Also called: MYO7A-related disorders.
Rare genetic deafness. Identifiers: Orphanet 96210, MedGen C5680250.
Usher syndrome type 1B (USH1B). Also called: Usher syndrome type IB. Identifiers: MedGen C1848638, MONDO:0700087.

Allele frequency attached by ClinVar (database versions not stated): TOPMed 0.00005.
gnomAD v4.1: 3 of 1,613,976 alleles (0.00019%); highest among the groups gnomAD compares: African/African-American, 0.004%; no homozygotes.

Submissions (4):

Natera, Inc.
Classification: Likely pathogenic for Usher syndrome type 1B. Last evaluated: 2025-04-15. Review status: criteria provided, single submitter. Criteria: Natera Variant Classification Schema (03/2026). Collection method: clinical testing. Allele origin: germline.
Comment: The c.6498C>A variant in MYO7A is a nonsense variant predicted to introduce a stop codon at amino acid 2166. This variant is expected to result in nonsense mediated decay, truncation, or a dysfunctional protein product. This variant is rare in the general population with a frequency below the threshold expected for the associated phenotype(s). Given the available evidence, this variant is classified as Likely Pathogenic.

Labcorp Genetics (formerly Invitae), Labcorp
Classification: Pathogenic. Last evaluated: 2023-03-02. Review status: criteria provided, single submitter. Criteria: Invitae Variant Classification Sherloc (09022015). Collection method: clinical testing. Allele origin: germline.
Comment: This variant has not been reported in the literature in individuals affected with MYO7A-related conditions. The frequency data for this variant in the population databases is considered unreliable, as metrics indicate poor data quality at this position in the gnomAD database. This sequence change creates a premature translational stop signal (p.Tyr2166*) in the MYO7A gene. It is expected to result in an absent or disrupted protein product. Loss-of-function variants in MYO7A are known to be pathogenic (PMID: 8900236, 25404053). ClinVar contains an entry for this variant (Variation ID: 43330). For these reasons, this variant has been classified as Pathogenic.

Blueprint Genetics
Classification: Likely pathogenic for MYO7A-related disorders. Last evaluated: 2022-09-12. Review status: criteria provided, single submitter. Criteria: ACMG Guidelines, 2015. Collection method: clinical testing. Allele origin: germline. Affected: yes. Observed: 1 variant allele.

Laboratory for Molecular Medicine, Mass General Brigham Personalized Medicine
Classification: Pathogenic for Rare genetic deafness. Last evaluated: 2011-06-21. Review status: criteria provided, single submitter. Criteria: LMM Criteria. Collection method: clinical testing. Allele origin: germline. Inheritance: Autosomal recessive inheritance. Observed: 1 variant allele.
Comment: The Tyr2166X variant in MYO7A has not been reported in the literature nor previo usly identified by our laboratory. The Tyr2166X variant leads to a premature sto p codon at position 2166, which is predicted to lead to a truncated or absent pr otein. In summary, this variant meets our criteria to be classified as pathogeni c.

Literature cited by the submitters: PubMed 8900236 (cited by Labcorp Genetics (formerly Invitae), Labcorp); PubMed 25404053 (cited by Labcorp Genetics (formerly Invitae), Labcorp).